The following is an entry in ClinVar:

ClinVar aggregate classification (germline): Uncertain significance (1 of 4 stars; one submission).

Submission:

GeneDx
Classification: Uncertain significance. Last evaluated: 2019-10-23. Review status: criteria provided, single submitter. Criteria: GeneDx Variant Classification Process June 2021. Collection method: clinical testing. Allele origin: germline. Affected: yes.
Comment: Not observed in large population cohorts (Lek et al., 2016); In silico analysis, which includes protein predictors and evolutionary conservation, supports that this variant does not alter protein structure/function; Has not been previously published as pathogenic or benign to our knowledge

NM_001386298.1(CIC):c.3607G>A (p.Glu1203Lys)

Gene: CIC (capicua transcriptional repressor; plus strand). Cytogenetic location: 19q13.2.
Variant type: single nucleotide variant.
Coding change: c.3607G>A on transcript NM_001386298.1 (MANE Select); coding-DNA position 3607, G replaced by A.
Protein change: p.Glu1203Lys; replaces glutamic acid 1203 with lysine.
Molecular consequence: missense variant.
Genome position (GRCh38, 1-based): chr19:42,287,924, G>A. VCF-style: chr19-42287924-G-A. GRCh37 (hg19) VCF-style: chr19-42792076-G-A.
Other names: c.3607G>A, p.Glu1203Lys (NM_001304815.2, NM_001379480.1, NM_001379482.1); c.880G>A, p.Glu294Lys (NM_001379484.1, NM_001379485.1, NM_015125.5); short protein forms E1203K, E294K.
Identifiers: ClinVar variation 1312270 (VCV001312270.2), dbSNP rs2147206902, ClinGen allele CA406099666.